The following is an entry in ClinVar:

NM_001082968.2(TOM1L2):c.144G>T (p.Lys48Asn)

Gene: TOM1L2 (target of myb1 like 2 membrane trafficking protein; minus strand). Cytogenetic location: 17p11.2.
Variant type: single nucleotide variant.
Coding change: c.144G>T on transcript NM_001082968.2 (MANE Select); coding-DNA position 144, G replaced by T.
Protein change: p.Lys48Asn; replaces lysine 48 with asparagine.
Molecular consequence: missense variant.
Genome position (GRCh38, 1-based): chr17:17,898,668, C>A on the plus strand (G>T on the coding strand, the complement: TOM1L2 is on the minus strand). VCF-style: chr17-17898668-C-A. GRCh37 (hg19) VCF-style: chr17-17801982-C-A.
Other names: c.144G>T, p.Lys48Asn (NM_001033551.3, NM_001288786.2, NM_001288787.2 and 5 more transcripts); short protein forms K48N.
Identifiers: ClinVar variation 91927 (VCV000091927.2), dbSNP rs386352375, ClinGen allele CA232177.
Genomic context (GRCh38, chr17:17,898,668, plus strand): 5'-CATCACCTCTCTGTAGTTCCGGTTCCCGTTGAGCCGCTTCTTCAGGGCTCGAATGGCATC[C>A]TTTGGCCTGGAAAAAAGAACAGACATATAAAGATACTTACAATCCCACTTGAGGACACGA-3'
Protein context (NP_001076437.1, residues 38-58): DIINETEEGP[Lys48Asn]DAIRALKKRL

ClinVar aggregate classification (germline): Uncertain significance (0 of 4 stars; one submission).

Submission:

Richard Lifton Laboratory, Yale University School of Medicine
Classification: Uncertain significance. Review status: no assertion criteria provided. Collection method: not provided. Allele origin: somatic.
Comment: TOM1L2
ClinVar note: Converted during submission from unknown to Uncertain significance.